The following is an entry in ClinVar:

NM_014908.4(DOLK):c.872T>A (p.Leu291His)

Gene: DOLK (dolichol kinase; minus strand). Cytogenetic location: 9q34.11.
Variant type: single nucleotide variant.
Coding change: c.872T>A on transcript NM_014908.4 (MANE Select); coding-DNA position 872, T replaced by A.
Protein change: p.Leu291His; replaces leucine 291 with histidine.
Molecular consequence: missense variant.
Genome position (GRCh38, 1-based): chr9:128,946,432, A>T on the plus strand (T>A on the coding strand, the complement: DOLK is on the minus strand). VCF-style: chr9-128946432-A-T. GRCh37 (hg19) VCF-style: chr9-131708711-A-T.
Other names: short protein forms L291H.
Identifiers: ClinVar variation 4844616 (VCV004844616.1).

ClinVar aggregate classification (germline): Uncertain significance (1 of 4 stars; one submission).

Conditions:
Cardiovascular phenotype. Identifiers: MedGen CN230736.

Submission:

Ambry Genetics
Classification: Uncertain significance for Cardiovascular phenotype. Last evaluated: 2026-02-13. Review status: criteria provided, single submitter. Criteria: Ambry Variant Classification Scheme 2023. Collection method: clinical testing. Allele origin: germline.
Comment: The p.L291H variant (also known as c.872T>A), located in coding exon 1 of the DOLK gene, results from a T to A substitution at nucleotide position 872. The leucine at codon 291 is replaced by histidine, an amino acid with similar properties. This amino acid position is conserved. In addition, this alteration is predicted to be deleterious by in silico analysis. Based on the available evidence, the clinical significance of this variant remains unclear.